The following is an entry in ClinVar:

NM_001170629.2(CHD8):c.3448C>T (p.His1150Tyr)

Gene: CHD8 (chromodomain helicase DNA binding protein 8; minus strand). Cytogenetic location: 14q11.2.
Variant type: single nucleotide variant.
Coding change: c.3448C>T on transcript NM_001170629.2 (MANE Select); coding-DNA position 3448, C replaced by T.
Protein change: p.His1150Tyr; replaces histidine 1150 with tyrosine.
Molecular consequence: missense variant.
Genome position (GRCh38, 1-based): chr14:21,403,523, G>A on the plus strand (C>T on the coding strand, the complement: CHD8 is on the minus strand). VCF-style: chr14-21403523-G-A. GRCh37 (hg19) VCF-style: chr14-21871682-G-A.
Other names: c.2611C>T, p.His871Tyr (NM_020920.4); short protein forms H1150Y, H871Y.
Identifiers: ClinVar variation 3361097 (VCV003361097.1).

ClinVar aggregate classification (germline): Uncertain significance (1 of 4 stars; one submission).

Submission:

GeneDx
Classification: Uncertain significance. Last evaluated: 2023-07-16. Review status: criteria provided, single submitter. Criteria: GeneDx Variant Classification Process June 2021. Collection method: clinical testing. Allele origin: germline. Affected: yes.
Comment: Not observed at significant frequency in large population cohorts (gnomAD); In silico analysis supports that this missense variant has a deleterious effect on protein structure/function; Has not been previously published as pathogenic or benign to our knowledge